The following is an entry in ClinVar:

NM_001329943.3(KIAA0586):c.2362G>A (p.Glu788Lys)

Gene: KIAA0586 (KIAA0586; plus strand). Cytogenetic location: 14q23.1.
Variant type: single nucleotide variant.
Coding change: c.2362G>A on transcript NM_001329943.3 (MANE Select); coding-DNA position 2362, G replaced by A.
Protein change: p.Glu788Lys; replaces glutamic acid 788 with lysine.
Molecular consequence: missense variant.
Genome position (GRCh38, 1-based): chr14:58,467,842, G>A. VCF-style: chr14-58467842-G-A. GRCh37 (hg19) VCF-style: chr14-58934560-G-A.
Other names: c.2134G>A (NM_014749.3); c.2521G>A, p.Glu841Lys (NM_001244189.2); c.2107G>A, p.Glu703Lys (NM_001364701.2, NM_001244191.2, NM_001329945.2 and 1 more transcripts); c.2134G>A, p.Glu712Lys (NM_014749.5); c.2317G>A, p.Glu773Lys (NM_001244190.2); c.2230G>A, p.Glu744Lys (NM_001244192.2); c.1942G>A, p.Glu648Lys (NM_001244193.2); c.2362G>A, p.Glu788Lys (NM_001329944.2, NM_001329946.2, NM_001329947.2); short protein forms E648K, E744K, E712K, E773K, E788K, E841K, E703K.
Identifiers: ClinVar variation 2155418 (VCV002155418.6), dbSNP rs756811886, ClinGen allele CA7205849.

ClinVar aggregate classification (germline): Uncertain significance. Review status: criteria provided, multiple submitters, no conflicts (2 of 4 stars). 2 submissions from 2 submitters: Uncertain significance (2). Last evaluated 2023-06-29.

Conditions:
Short-rib thoracic dysplasia 14 with polydactyly (SRTD14). Identifiers: Orphanet 397715, MedGen C4225286, MONDO:0014688, OMIM 616546.
Joubert syndrome 23 (JBTS23). Identifiers: Orphanet 475, MedGen C4084822, MONDO:0014664, OMIM 616490.
Inborn genetic diseases. Identifiers: MedGen C0950123, MeSH D030342.

Allele frequency attached by ClinVar (database versions not stated): gnomAD exomes below 0.00001; TOPMed 0.00001; ExAC 0.00002.
gnomAD v4.1: 2 of 1,613,690 alleles (0.00012%); highest among the groups gnomAD compares: East Asian, 0.0045%; no homozygotes.

Submissions (2):

Ambry Genetics
Classification: Uncertain significance for Inborn genetic diseases. Last evaluated: 2023-06-29. Review status: criteria provided, single submitter. Criteria: Ambry Variant Classification Scheme 2023. Collection method: clinical testing. Allele origin: germline.

Labcorp Genetics (formerly Invitae), Labcorp
Classification: Uncertain significance for Joubert syndrome 23; Short-rib thoracic dysplasia 14 with polydactyly. Last evaluated: 2022-09-27. Review status: criteria provided, single submitter. Criteria: Invitae Variant Classification Sherloc (09022015). Collection method: clinical testing. Allele origin: germline.
Comment: In summary, the available evidence is currently insufficient to determine the role of this variant in disease. Therefore, it has been classified as a Variant of Uncertain Significance. Advanced modeling of protein sequence and biophysical properties (such as structural, functional, and spatial information, amino acid conservation, physicochemical variation, residue mobility, and thermodynamic stability) has been performed at Invitae for this missense variant, however the output from this modeling did not meet the statistical confidence thresholds required to predict the impact of this variant on KIAA0586 protein function. This variant has not been reported in the literature in individuals affected with KIAA0586-related conditions. This variant is present in population databases (rs756811886, gnomAD 0.02%). This sequence change replaces glutamic acid, which is acidic and polar, with lysine, which is basic and polar, at codon 841 of the KIAA0586 protein (p.Glu841Lys).